The following is an entry in ClinVar:

NM_001127671.2(LIFR):c.2794C>T (p.Arg932Cys)

Gene: LIFR (LIF receptor subunit alpha; minus strand). Cytogenetic location: 5p13.1.
Variant type: single nucleotide variant.
Coding change: c.2794C>T on transcript NM_001127671.2 (MANE Select); coding-DNA position 2794, C replaced by T.
Protein change: p.Arg932Cys; replaces arginine 932 with cysteine.
Molecular consequence: missense variant.
Genome position (GRCh38, 1-based): chr5:38,482,095, G>A on the plus strand (C>T on the coding strand, the complement: LIFR is on the minus strand). VCF-style: chr5-38482095-G-A. GRCh37 (hg19) VCF-style: chr5-38482197-G-A.
Other names: c.2794C>T, p.Arg932Cys (NM_001364297.2, NM_002310.6); c.2761C>T, p.Arg921Cys (NM_001364298.2); short protein forms R921C, R932C.
Identifiers: ClinVar variation 2151158 (VCV002151158.1), dbSNP rs780275393, ClinGen allele CA3242565.
Genomic context (GRCh38, chr5:38,482,095, plus strand): 5'-GTGGACAATAGGACACAACCACATGGTTTTCAGGCTCTGCATCAGAGCGATCTTCAGGAC[G>A]CTCAGCTACTGGGGAAATTATTTCTGTATCTTCTATTTTAGGAAATGCTGATCGAGTTTC-3'
Protein context (NP_001121143.1, residues 922-942): DTEIISPVAE[Arg932Cys]PEDRSDAEPE

ClinVar aggregate classification (germline): Uncertain significance (1 of 4 stars; one submission).

Allele frequency attached by ClinVar (database versions not stated): gnomAD exomes 0.00001; ExAC 0.00002.
gnomAD v4.1: 7 of 1,594,088 alleles (0.00044%); highest among the groups gnomAD compares: Admixed American, 0.0053%; no homozygotes.

Submission:

Labcorp Genetics (formerly Invitae), Labcorp
Classification: Uncertain significance. Last evaluated: 2022-07-08. Review status: criteria provided, single submitter. Criteria: Invitae Variant Classification Sherloc (09022015). Collection method: clinical testing. Allele origin: germline.
Comment: This sequence change replaces arginine, which is basic and polar, with cysteine, which is neutral and slightly polar, at codon 932 of the LIFR protein (p.Arg932Cys). This variant is present in population databases (rs780275393, gnomAD 0.006%). This variant has not been reported in the literature in individuals affected with LIFR-related conditions. Algorithms developed to predict the effect of missense changes on protein structure and function output the following: SIFT: "Tolerated"; PolyPhen-2: "Benign"; Align-GVGD: "Class C15". The cysteine amino acid residue is found in multiple mammalian species, which suggests that this missense change does not adversely affect protein function. In summary, the available evidence is currently insufficient to determine the role of this variant in disease. Therefore, it has been classified as a Variant of Uncertain Significance.